The following is an entry in ClinVar:

NM_018723.4(RBFOX1):c.677-20TC[5]

Gene: RBFOX1 (RNA binding fox-1 homolog 1; plus strand). Cytogenetic location: 16p13.3.
Variant type: Microsatellite.
Coding change: c.677-20TC[5] on transcript NM_018723.4 (MANE Select); five copies in a row of the 2-base unit TC starting at c.677-20.
Molecular consequence: intron variant.
Genome position: GRCh38 VCF-style: chr16-7630582-ATC-A. GRCh37 (hg19) VCF-style: chr16-7680584-ATC-A.
Other names: NC_000016.9:g.7680596_7680597del; c.737-9_737-8delCT (NM_145891.2); c.677-9_677-8del (NM_018723.4); c.677-20TC[5] (NM_001364800.2, NM_001142334.2); c.677-23232TC[5] (NM_001142333.2); c.806-20TC[5] (NM_001308117.1); c.737-20TC[5] (NM_145893.3, NM_145891.3, NM_145892.3).
Identifiers: ClinVar variation 1898527 (VCV001898527.9), dbSNP rs371317235, ClinGen allele CA7891622.

ClinVar aggregate classification (germline): Likely benign. Review status: criteria provided, multiple submitters, no conflicts (2 of 4 stars). 3 submissions from 3 submitters: Likely benign (2). 1 of the submissions does not count toward it. Last evaluated 2024-11-07.

Conditions:
Idiopathic generalized epilepsy. Also called: EIG; Generalised epilepsy. Identifiers: MedGen C0270850, MONDO:0005579, OMIM 600669.
RBFOX1-related disorder. Also called: RBFOX1-related condition.

Submissions (5):

Blueprint Genetics
Classification: Likely benign. Last evaluated: 2024-11-07. Review status: criteria provided, single submitter. Criteria: ACMG Guidelines, 2015. Collection method: clinical testing. Allele origin: germline.

Labcorp Genetics (formerly Invitae), Labcorp
Classification: Likely benign for Idiopathic generalized epilepsy. Last evaluated: 2022-02-28. Review status: criteria provided, single submitter. Criteria: Invitae Variant Classification Sherloc (09022015). Collection method: clinical testing. Allele origin: germline.

PreventionGenetics, part of Exact Sciences
Classification: Likely benign for RBFOX1-related condition. Last evaluated: 2020-12-03. Review status: no assertion criteria provided. Collection method: clinical testing. Allele origin: germline. Not counted in ClinVar's aggregate classification.
Comment: This variant is classified as likely benign based on ACMG/AMP sequence variant interpretation guidelines (Richards et al. 2015 PMID: 25741868, with internal and published modifications).

Dr. Peter K. Rogan Lab, Western University
No classification provided (evidence only). Condition: Glioma susceptibility 1. Review status: no classification provided. Collection method: in vitro. Allele origin: not applicable. Functional consequence: skipped exon. Not counted in ClinVar's aggregate classification.

Dr. Peter K. Rogan Lab, Western University
No classification provided (evidence only). Condition: Lung cancer. Review status: no classification provided. Collection method: in vitro. Allele origin: not applicable. Functional consequence: retained intron. Not counted in ClinVar's aggregate classification.